The following is an entry in ClinVar:

NM_018993.4(RIN2):c.462C>G (p.Tyr154Ter)

Gene: RIN2 (Ras and Rab interactor 2; plus strand). Cytogenetic location: 20p11.23.
Variant type: single nucleotide variant.
Coding change: c.462C>G on transcript NM_018993.4 (MANE Select); coding-DNA position 462, C replaced by G.
Protein change: p.Tyr154Ter; replaces tyrosine 154 with a stop codon.
Molecular consequence: nonsense. On other transcripts: 5 prime UTR variant (1).
Genome position (GRCh38, 1-based): chr20:19,960,810, C>G. VCF-style: chr20-19960810-C-G. GRCh37 (hg19) VCF-style: chr20-19941454-C-G.
Other names: c.609C>G, p.Tyr203Ter (NM_001242581.2); c.-84C>G (NM_001378238.1); short protein forms Y203*, Y154*.
Identifiers: ClinVar variation 4728187 (VCV004728187.1).
Genomic context (GRCh38, chr20:19,960,810, plus strand): 5'-CCGCCTGCCCTGTGAATTTGGGGCCCCACTCAAGGAATTTGCCATAAAGGAAAGCACATA[C>G]AGTAAGTGGTCATTGGATGCTCAGGTCCTGACTGACAGGGCCACGGGGCTCTGCAGGGAG-3'

ClinVar aggregate classification (germline): Pathogenic (1 of 4 stars; one submission).

Submission:

Labcorp Genetics (formerly Invitae), Labcorp
Classification: Pathogenic. Last evaluated: 2025-09-30. Review status: criteria provided, single submitter. Criteria: Invitae Variant Classification Sherloc (09022015). Collection method: clinical testing. Allele origin: germline.
Comment: This sequence change creates a premature translational stop signal (p.Tyr154*) in the RIN2 gene. It is expected to result in an absent or disrupted protein product. Loss-of-function variants in RIN2 are known to be pathogenic (PMID: 19631308). This variant is not present in population databases (gnomAD no frequency). This variant has not been reported in the literature in individuals affected with RIN2-related conditions. For these reasons, this variant has been classified as Pathogenic.

Literature cited by the submitters: PubMed 19631308.